The following is an entry in ClinVar:

ClinVar aggregate classification (germline): Uncertain significance. Review status: criteria provided, multiple submitters, no conflicts (2 of 4 stars). 2 submissions from 2 submitters: Uncertain significance (2). Last evaluated 2025-07-02.

Conditions:
Inborn genetic diseases. Identifiers: MedGen C0950123, MeSH D030342.

Allele frequency attached by ClinVar (database versions not stated): ExAC 0.00001; TOPMed 0.00002.
gnomAD v4.1: 6 of 1,613,694 alleles (0.00037%); highest among the groups gnomAD compares: Admixed American, 0.01%; no homozygotes.

Submissions (2):

Labcorp Genetics (formerly Invitae), Labcorp
Classification: Uncertain significance. Last evaluated: 2025-07-02. Review status: criteria provided, single submitter. Criteria: Invitae Variant Classification Sherloc (09022015). Collection method: clinical testing. Allele origin: germline.
Comment: This sequence change replaces aspartic acid, which is acidic and polar, with glutamic acid, which is acidic and polar, at codon 262 of the SAMD9L protein (p.Asp262Glu). This variant is present in population databases (rs766185585, gnomAD 0.01%). This variant has not been reported in the literature in individuals affected with SAMD9L-related conditions. ClinVar contains an entry for this variant (Variation ID: 3014166). An algorithm developed to predict the effect of missense changes on protein structure and function (PolyPhen-2) suggests that this variant is likely to be tolerated. In summary, the available evidence is currently insufficient to determine the role of this variant in disease. Therefore, it has been classified as a Variant of Uncertain Significance.

Ambry Genetics
Classification: Uncertain significance for Inborn genetic diseases. Last evaluated: 2025-03-24. Review status: criteria provided, single submitter. Criteria: Ambry Variant Classification Scheme 2023. Collection method: clinical testing. Allele origin: germline.
Comment: The p.D262E variant (also known as c.786C>A), located in coding exon 1 of the SAMD9L gene, results from a C to A substitution at nucleotide position 786. The aspartic acid at codon 262 is replaced by glutamic acid, an amino acid with highly similar properties. This amino acid position is conserved. In addition, this alteration is predicted to be tolerated by in silico analysis. Based on the available evidence, the clinical significance of this variant remains unclear.

NM_152703.5(SAMD9L):c.786C>A (p.Asp262Glu)

Gene: SAMD9L (sterile alpha motif domain containing 9 like; minus strand). Cytogenetic location: 7q21.2.
Variant type: single nucleotide variant.
Coding change: c.786C>A on transcript NM_152703.5 (MANE Select); coding-DNA position 786, C replaced by A.
Protein change: p.Asp262Glu; replaces aspartic acid 262 with glutamic acid.
Molecular consequence: missense variant.
Genome position (GRCh38, 1-based): chr7:93,135,186, G>T on the plus strand (C>A on the coding strand, the complement: SAMD9L is on the minus strand). VCF-style: chr7-93135186-G-T. GRCh37 (hg19) VCF-style: chr7-92764499-G-T.
Other names: c.786C>A, p.Asp262Glu (NM_001303496.3, NM_001303497.3, NM_001303498.3 and 5 more transcripts); c.786C>A (NM_152703.2); short protein forms D262E.
Identifiers: ClinVar variation 3014166 (VCV003014166.4), dbSNP rs766185585, ClinGen allele CA4343820.